The following is an entry in ClinVar:

NM_000053.4(ATP7B):c.3023TCA[1] (p.Ile1009del)

Gene: ATP7B (ATPase copper transporting beta; minus strand). Cytogenetic location: 13q14.3.
Variant type: Microsatellite.
Coding change: c.3023TCA[1] on transcript NM_000053.4 (MANE Select); one copy of the 3-base unit TCA starting at c.3023; the reference has two copies in a row; one copy, 3 bases deleted; also written c.3026_3028del.
Protein change: p.Ile1009del; deletes isoleucine 1009.
Molecular consequence: inframe deletion. On other transcripts: intron variant (6).
Genome position (GRCh38, 1-based): chr13:51,946,316-51,946,318, TGA deleted on the plus strand (TCA on the coding strand, the reverse complement: ATP7B is on the minus strand); deleting any 3 consecutive bases within chr13:51,946,316-51,946,321 gives the same sequence; the position shown is the placement nearest the transcript's 3' end. VCF-style (leftmost placement, unchanged base first): chr13-51946315-TTGA-T. GRCh37 (hg19) VCF-style: chr13-52520451-TTGA-T.
Other names: c.3026_3028del (NM_000053.4); c.2927TCA[1], p.Ile977del (NM_001406517.1, NM_001406518.1); c.2888TCA[1], p.Ile964del (NM_001406519.1); c.2879TCA[1], p.Ile961del (NM_001406520.1, NM_001406521.1, NM_001406522.1); c.3023TCA[1], p.Ile1009del (NM_001406523.1, NM_001406526.1, NM_001406511.1 and 2 more transcripts); c.2846TCA[1], p.Ile950del (NM_001406524.1); c.2789TCA[1], p.Ile931del (NM_001406527.1, NM_001330578.2, NM_001406528.1 and 1 more transcripts); c.2402TCA[1], p.Ile802del (NM_001005918.3); and 19 more; short protein forms I1009del, I579del, I793del, I802del, I815del, I847del, I866del, I893del.
Identifiers: ClinVar variation 4528916 (VCV004528916.1).
Genomic context (GRCh38, chr13:51,946,315, plus strand): 5'-GGATGGGGAAAGCCGTGCTACAGGCTGACCTTGTGCGCCATCTCCAGGGGCTTGCCTCCC[TTGA>T]TGAGGATGCCGTTCTGCGCGGCCACCCCGGTGCCCACCATGACAGCCGTGGGCGTGGCCA-3'

ClinVar aggregate classification (germline): Uncertain significance (1 of 4 stars; one submission).

Conditions:
Wilson disease (WND). Also called: Wilson's disease. Identifiers: Orphanet 905, MedGen C0019202, MONDO:0010200, OMIM 277900. Disease mechanism: loss of function.

Submission:

Dr. Moinak Lab, Sanjay Gandhi Postgraduate Institute of Medical Sciences
Classification: Uncertain significance for Wilson disease. Last evaluated: 2024-04-12. Review status: criteria provided, single submitter. Criteria: ACMG Guidelines, 2015. Collection method: clinical testing. Allele origin: germline. Inheritance: Autosomal recessive inheritance. Affected: yes.
Comment: ATP7B: c.3026_3028del is a novel variant involving an in-frame Deletion.

Literature cited by the submitters: PubMed 20301685.